The following is an entry in ClinVar:

NM_002334.4(LRP4):c.1097C>T (p.Ala366Val)

Gene: LRP4 (LDL receptor related protein 4; minus strand). Cytogenetic location: 11p11.2.
Variant type: single nucleotide variant.
Coding change: c.1097C>T on transcript NM_002334.4 (MANE Select); coding-DNA position 1097, C replaced by T.
Protein change: p.Ala366Val; replaces alanine 366 with valine.
Molecular consequence: missense variant.
Genome position (GRCh38, 1-based): chr11:46,895,970, G>A on the plus strand (C>T on the coding strand, the complement: LRP4 is on the minus strand). VCF-style: chr11-46895970-G-A. GRCh37 (hg19) VCF-style: chr11-46917521-G-A.
Other names: short protein forms A366V.
Identifiers: ClinVar variation 835225 (VCV000835225.9), dbSNP rs1941521066, ClinGen allele CA380287361.
Genomic context (GRCh38, chr11:46,895,970, plus strand): 5'-AGCCGGTAGCCTGTGTGGCAGGTACACTGCACTGCCCCCCGCACCATCTGGCACTTCTGG[G>A]CACAGCCACCGTTGTTAACATTGCAGTTCTCCTCACCCGTCCGGGGCCCTGTGCCAGCCA-3'
Protein context (NP_002325.2, residues 356-376): ENCNVNNGGC[Ala366Val]QKCQMVRGAV

ClinVar aggregate classification (germline): Uncertain significance (1 of 4 stars; one submission).

Conditions:
Cenani-Lenz syndactyly syndrome. Also called: SYNDACTYLY, TYPE VII; CENANI SYNDACTYLISM. Identifiers: Orphanet 3258, MedGen C1859309, MONDO:0008931, OMIM 212780.
Sclerosteosis 2 (SOST2). Identifiers: Orphanet 3152, MedGen C3280402, MONDO:0013679, OMIM 614305.
Congenital myasthenic syndrome 17. Identifiers: Orphanet 590, MedGen C4225377, MONDO:0014578, OMIM 616304.

Allele frequency attached by ClinVar (database versions not stated): gnomAD exomes below 0.00001.
gnomAD v4.1: 6 of 1,614,082 alleles (0.00037%); highest among the groups gnomAD compares: Non-Finnish European, 0.00042%; no homozygotes.

Submission:

Labcorp Genetics (formerly Invitae), Labcorp
Classification: Uncertain significance for Cenani-Lenz syndactyly syndrome; Sclerosteosis 2; Congenital myasthenic syndrome 17. Last evaluated: 2019-04-01. Review status: criteria provided, single submitter. Criteria: Invitae Variant Classification Sherloc (09022015). Collection method: clinical testing. Allele origin: germline.
Comment: This variant is not present in population databases (ExAC no frequency). In summary, the available evidence is currently insufficient to determine the role of this variant in disease. Therefore, it has been classified as a Variant of Uncertain Significance. Algorithms developed to predict the effect of missense changes on protein structure and function are either unavailable or do not agree on the potential impact of this missense change (SIFT: "Deleterious"; PolyPhen-2: "Benign"; Align-GVGD: "Class C0"). This variant has not been reported in the literature in individuals with LRP4-related conditions. This sequence change replaces alanine with valine at codon 366 of the LRP4 protein (p.Ala366Val). The alanine residue is highly conserved and there is a small physicochemical difference between alanine and valine.